The following is an entry in ClinVar:

ClinVar aggregate classification (germline): Uncertain significance. Review status: criteria provided, multiple submitters, no conflicts (2 of 4 stars). 2 submissions from 2 submitters: Uncertain significance (2). Last evaluated 2025-08-15.

Conditions:
DNA2-related disorder. Also called: DNA2-related condition.

gnomAD v4.1: 21 of 1,559,686 alleles (0.0013%); highest among the groups gnomAD compares: Non-Finnish European, 0.0017%; no homozygotes.

Submissions (2):

Labcorp Genetics (formerly Invitae), Labcorp
Classification: Uncertain significance. Last evaluated: 2025-08-15. Review status: criteria provided, single submitter. Criteria: Invitae Variant Classification Sherloc (09022015). Collection method: clinical testing. Allele origin: germline.
Comment: This sequence change replaces leucine, which is neutral and non-polar, with phenylalanine, which is neutral and non-polar, at codon 737 of the DNA2 protein (p.Leu737Phe). This variant is present in population databases (rs776603599, gnomAD 0.002%). This variant has not been reported in the literature in individuals affected with DNA2-related conditions. ClinVar contains an entry for this variant (Variation ID: 3624415). An algorithm developed to predict the effect of missense changes on protein structure and function (PolyPhen-2) suggests that this variant is likely to be disruptive. In summary, the available evidence is currently insufficient to determine the role of this variant in disease. Therefore, it has been classified as a Variant of Uncertain Significance.

PreventionGenetics, part of Exact Sciences
Classification: Uncertain significance for DNA2-related condition. Last evaluated: 2025-03-17. Review status: criteria provided, single submitter. Criteria: ACMG Guidelines, 2015. Collection method: clinical testing. Allele origin: germline.
Comment: The DNA2 c.2209C>T variant is predicted to result in the amino acid substitution p.Leu737Phe. To our knowledge, this variant has not been reported in the literature. This variant is reported in 0.0068% of alleles in individuals of African descent in gnomAD. At this time, the clinical significance of this variant is uncertain due to the absence of conclusive functional and genetic evidence.

NM_001080449.3(DNA2):c.2209C>T (p.Leu737Phe)

Gene: DNA2 (DNA replication helicase/nuclease 2; minus strand). Cytogenetic location: 10q21.3.
Variant type: single nucleotide variant.
Coding change: c.2209C>T on transcript NM_001080449.3 (MANE Select); coding-DNA position 2209, C replaced by T.
Protein change: p.Leu737Phe; replaces leucine 737 with phenylalanine.
Molecular consequence: missense variant. On other transcripts: non-coding transcript variant (1).
Genome position (GRCh38, 1-based): chr10:68,422,890, G>A on the plus strand (C>T on the coding strand, the complement: DNA2 is on the minus strand). VCF-style: chr10-68422890-G-A. GRCh37 (hg19) VCF-style: chr10-70182647-G-A.
Other names: c.2209C>T (NM_001080449.2); short protein forms L737F.
Identifiers: ClinVar variation 3624415 (VCV003624415.3).